The following is an entry in ClinVar:

NM_001009944.3(PKD1):c.4888C>T (p.Gln1630Ter)

Gene: PKD1 (polycystin 1, transient receptor potential channel interacting; minus strand). Cytogenetic location: 16p13.3.
Variant type: single nucleotide variant.
Coding change: c.4888C>T on transcript NM_001009944.3 (MANE Select); coding-DNA position 4888, C replaced by T.
Protein change: p.Gln1630Ter; replaces glutamine 1630 with a stop codon.
Molecular consequence: nonsense.
Genome position (GRCh38, 1-based): chr16:2,110,279, G>A on the plus strand (C>T on the coding strand, the complement: PKD1 is on the minus strand). VCF-style: chr16-2110279-G-A. GRCh37 (hg19) VCF-style: chr16-2160280-G-A.
Other names: c.4888C>T, p.Gln1630Ter (NM_000296.4); short protein forms Q1630*.
Identifiers: ClinVar variation 1806351 (VCV001806351.5), dbSNP rs2544817521, ClinGen allele CA394378997.

ClinVar aggregate classification (germline): Pathogenic. Review status: criteria provided, multiple submitters, no conflicts (2 of 4 stars). 5 submissions from 5 submitters: Pathogenic (5). Last evaluated 2026-01-26.

Conditions:
PKD1-related disorder. Also called: PKD1-related condition.
Polycystic kidney disease, adult type (PKD1). Also called: Polycystic Kidney Disease 1, Autosomal Dominant; Polycystic kidney disease 1; Polycystic kidney disease 1, severe; POLYCYSTIC KIDNEY DISEASE, ADULT, TYPE I; Polycystic Kidney, Autosomal Dominant; POLYCYSTIC KIDNEY DISEASE 1 WITH OR WITHOUT POLYCYSTIC LIVER DISEASE. Identifiers: MedGen C3149841, MONDO:0008263, OMIM 173900.

Submissions (5):

Medical and Scientific Branch, Hong Kong Genome Institute
Classification: Pathogenic for Polycystic kidney disease, adult type. Last evaluated: 2026-01-26. Review status: criteria provided, single submitter. Criteria: ACMG Guidelines, 2015. Collection method: clinical testing. Allele origin: unknown. Affected: yes.

Blueprint Genetics
Classification: Pathogenic for PKD1-related disorders. Last evaluated: 2024-05-29. Review status: criteria provided, single submitter. Criteria: ACMG Guidelines, 2015. Collection method: clinical testing. Allele origin: germline. Affected: yes. Observed: 2 variant alleles.

Fulgent Genetics
Classification: Pathogenic for Polycystic kidney disease, adult type. Last evaluated: 2024-01-23. Review status: criteria provided, single submitter. Criteria: ACMG Guidelines, 2015. Collection method: clinical testing. Allele origin: germline.

Victorian Clinical Genetics Services, Murdoch Childrens Research Institute
Classification: Pathogenic for Polycystic kidney disease, adult type. Last evaluated: 2021-05-06. Review status: criteria provided, single submitter. Criteria: ACMG Guidelines, 2015. Collection method: clinical testing. Allele origin: germline. Inheritance: Autosomal dominant inheritance. Affected: yes.
Comment: Based on the classification scheme VCGS_Germline_v1.3.4, this variant is classified as Pathogenic. Following criteria are met: 0102 - Loss of function is a known mechanism of disease in this gene and is associated with polycystic kidney disease 1 (MIM#173900). (I) 0107 - This gene is associated with autosomal dominant disease. Polycystic kidney disease 1 (MIM#173900) is predominantly caused by monoallelic variants, with rare reports of biallelic variants causing disease (OMIM). (I) 0201 - Variant is predicted to cause nonsense-mediated decay (NMD) and loss of protein (premature termination codon is located at least 54 nucleotides upstream of the final exon-exon junction). (SP) 0251 - This variant is heterozygous. (I) 0301 - Variant is absent from gnomAD (both v2 and v3). (SP) 0701 - Other NMD-predicted variants comparable to the one identified in this case have very strong previous evidence for pathogenicity. These variants have been reported many times as pathogenic, and have been observed in patients with polycystic kidney disease (Decipher). (SP) 0802 - This variant has moderate previous evidence of pathogenicity in unrelated individuals. This variant has been reported in several patients with polycystic kidney disease (LOVD, PMID: 18837007, PMID: 25333066, PMID: 26453610). (SP) 1102 - Strong phenotype match for this individual. (SP) 1208 - Inheritance information for this variant is not currently available in this individual. (I) Legend: (SP) - Supporting pathogenic, (I) - Information, (SB) - Supporting benign

Juno Genomics, Hangzhou Juno Genomics, Inc
Classification: Pathogenic for Polycystic kidney disease, adult type. Review status: criteria provided, single submitter. Criteria: ACMG Guidelines, 2015. Collection method: clinical testing. Allele origin: germline. Affected: yes.
Comment: Absent from controls (or at extremely low frequency if recessive) in Genome Aggregation Database.;Null variant in a gene where loss of function (LOF) is a known mechanism of disease.;The prevalence of the variant in affected individuals is significantly increased compared to the prevalence in controls.

Literature cited by the submitters: PubMed 18837007 (cited by Victorian Clinical Genetics Services, Murdoch Childrens Research Institute); PubMed 25333066 (cited by Victorian Clinical Genetics Services, Murdoch Childrens Research Institute); PubMed 26453610 (cited by Victorian Clinical Genetics Services, Murdoch Childrens Research Institute).